The following is an entry in ClinVar:

NM_004036.5(ADCY3):c.1035C>T (p.Asn345=)

Gene: ADCY3 (adenylate cyclase 3; minus strand). Cytogenetic location: 2p23.3.
Variant type: single nucleotide variant.
Coding change: c.1035C>T on transcript NM_004036.5 (MANE Select); coding-DNA position 1035, C replaced by T.
Protein change: p.Asn345=; no amino-acid change (asparagine 345 retained).
Molecular consequence: synonymous variant.
Genome position (GRCh38, 1-based): chr2:24,841,589, G>A on the plus strand (C>T on the coding strand, the complement: ADCY3 is on the minus strand). VCF-style: chr2-24841589-G-A. GRCh37 (hg19) VCF-style: chr2-25064458-G-A.
Other names: c.1035C>T, p.Asn345= (NM_001320613.2, NM_001377128.1, NM_001377129.1 and 2 more transcripts); c.312C>T, p.Asn104= (NM_001377131.1); c.1035C>T (NM_001320613.1).
Identifiers: ClinVar variation 2039415 (VCV002039415.30), dbSNP rs41289508, ClinGen allele CA1554324.
Genomic context (GRCh38, chr2:24,841,589, plus strand): 5'-GAGAGCCAGGCGGGGCCAGGGACTTACAGCTGCCAGCTTGTCAAAGCGGGCAAAGAGCTC[G>A]TTGAGCAGCTTCACAAGCTCCTGGGCACTGCAGGCAGAAGACAGCTGGGTAAAGCCCACG-3'
Protein context (NP_004027.2, residues 335-355): CSAQELVKLL[Asn345=]ELFARFDKLA

ClinVar aggregate classification (germline): Benign/Likely benign. Review status: criteria provided, multiple submitters, no conflicts (2 of 4 stars). 4 submissions from 4 submitters: Benign (1); Likely benign (2). 1 of the submissions does not count toward it. Last evaluated 2025-12-20.

Conditions:
ADCY3-related disorder. Also called: ADCY3-related condition.

Allele frequency attached by ClinVar (database versions not stated): ExAC 0.00123; gnomAD 0.00165; ESP Exome Variant Server 0.00200; TOPMed 0.00229; 1000 Genomes Project 0.00300; 1000 Genomes Project 30x 0.00312.
gnomAD v4.1: 1,337 of 1,613,508 alleles (0.083%); highest among the groups gnomAD compares: Middle Eastern, 0.5%; 5 homozygotes.

Submissions (4):

Labcorp Genetics (formerly Invitae), Labcorp
Classification: Benign. Last evaluated: 2025-12-20. Review status: criteria provided, single submitter. Criteria: Invitae Variant Classification Sherloc (09022015). Collection method: clinical testing. Allele origin: germline.

Blueprint Genetics
Classification: Likely benign. Last evaluated: 2024-11-20. Review status: criteria provided, single submitter. Criteria: ACMG Guidelines, 2015. Collection method: clinical testing. Allele origin: germline.

CeGaT Center for Human Genetics Tuebingen
Classification: Likely benign. Last evaluated: 2022-09-01. Review status: criteria provided, single submitter. Criteria: CeGaT Center For Human Genetics Tuebingen Variant Classification Criteria Version 2. Collection method: clinical testing. Allele origin: germline. Affected: yes. Observed: 1 variant allele.
Comment: ADCY3: BP4, BP7

PreventionGenetics, part of Exact Sciences
Classification: Likely benign for ADCY3-related condition. Last evaluated: 2019-07-09. Review status: no assertion criteria provided. Collection method: clinical testing. Allele origin: germline. Not counted in ClinVar's aggregate classification.
Comment: This variant is classified as likely benign based on ACMG/AMP sequence variant interpretation guidelines (Richards et al. 2015 PMID: 25741868, with internal and published modifications).